The following is an entry in ClinVar:

ClinVar aggregate classification (germline): Uncertain significance (1 of 4 stars; one submission).

Conditions:
Hereditary sensory neuropathy-deafness-dementia syndrome. Also called: HSN IE; Hereditary Sensory and Autonomic Neuropathy Type 1E (HSAN1E); Hereditary sensory neuropathy type IE; NEUROPATHY, HEREDITARY SENSORY, WITH HEARING LOSS AND DEMENTIA. Identifiers: Orphanet 456318, MedGen C3279885, MONDO:0013584, OMIM 614116.

Allele frequency attached by ClinVar (database versions not stated): gnomAD exomes below 0.00001; ExAC 0.00002.
gnomAD v4.1: 4 of 1,610,658 alleles (0.00025%); highest among the groups gnomAD compares: Admixed American, 0.0017%; no homozygotes.

Submission:

Labcorp Genetics (formerly Invitae), Labcorp
Classification: Uncertain significance for Hereditary sensory neuropathy-deafness-dementia syndrome. Last evaluated: 2023-11-12. Review status: criteria provided, single submitter. Criteria: Invitae Variant Classification Sherloc (09022015). Collection method: clinical testing. Allele origin: germline.
Comment: This sequence change replaces arginine, which is basic and polar, with glutamine, which is neutral and polar, at codon 1461 of the DNMT1 protein (p.Arg1461Gln). The frequency data for this variant in the population databases is considered unreliable, as metrics indicate poor data quality at this position in the gnomAD database. This variant has not been reported in the literature in individuals affected with DNMT1-related conditions. ClinVar contains an entry for this variant (Variation ID: 2183262). Advanced modeling of protein sequence and biophysical properties (such as structural, functional, and spatial information, amino acid conservation, physicochemical variation, residue mobility, and thermodynamic stability) performed at Invitae indicates that this missense variant is not expected to disrupt DNMT1 protein function with a negative predictive value of 80%. In summary, the available evidence is currently insufficient to determine the role of this variant in disease. Therefore, it has been classified as a Variant of Uncertain Significance.

NM_001130823.3(DNMT1):c.4382G>A (p.Arg1461Gln)

Gene: DNMT1 (DNA methyltransferase 1; minus strand). Cytogenetic location: 19p13.2.
Variant type: single nucleotide variant.
Coding change: c.4382G>A on transcript NM_001130823.3 (MANE Select); coding-DNA position 4382, G replaced by A.
Protein change: p.Arg1461Gln; replaces arginine 1461 with glutamine.
Molecular consequence: missense variant.
Genome position (GRCh38, 1-based): chr19:10,137,192, C>T on the plus strand (G>A on the coding strand, the complement: DNMT1 is on the minus strand). VCF-style: chr19-10137192-C-T. GRCh37 (hg19) VCF-style: chr19-10247868-C-T.
Other names: c.4334G>A, p.Arg1445Gln (NM_001318730.2, NM_001379.4); c.4019G>A, p.Arg1340Gln (NM_001318731.2); short protein forms R1340Q, R1445Q, R1461Q.
Identifiers: ClinVar variation 2183262 (VCV002183262.4), dbSNP rs748089711, ClinGen allele CA9187525.